The following is an entry in ClinVar:

ClinVar aggregate classification (germline): not provided (0 of 4 stars; one submission).

Submission:

Functional Genomics, Thrombosis Research Institute, India
No classification provided. Review status: no classification provided. Collection method: not provided. Allele origin: not provided.
Comment: The polymorphisms were detected by PCR and sequencing of a 581 bp region in theCX3CR1 gene and subsequent assembly and comparison to ENSEMBLE reference sequence.

NM_001337.4(CX3CR1):c.785T>C (p.Phe262Ser)

Gene: CX3CR1 (C-X3-C motif chemokine receptor 1; minus strand). Cytogenetic location: 3p22.2.
Variant type: single nucleotide variant.
Coding change: c.785T>C on transcript NM_001337.4 (MANE Select); coding-DNA position 785, T replaced by C.
Protein change: p.Phe262Ser; replaces phenylalanine 262 with serine.
Molecular consequence: missense variant.
Genome position (GRCh38, 1-based): chr3:39,265,725, A>G on the plus strand (T>C on the coding strand, the complement: CX3CR1 is on the minus strand). VCF-style: chr3-39265725-A-G. GRCh37 (hg19) VCF-style: chr3-39307216-A-G.
Other names: c.785T>C, p.Phe262Ser (NM_001171171.2, NM_001171172.2); c.881T>C, p.Phe294Ser (NM_001171174.1); short protein forms F294S, F262S.
Identifiers: ClinVar variation 120091 (VCV000120091.1), dbSNP rs137854870, ClinGen allele CA230620.